The following is an entry in ClinVar:

NM_002225.5(IVD):c.1206A>G (p.Ile402Met)

Gene: IVD (isovaleryl-CoA dehydrogenase; plus strand). Cytogenetic location: 15q15.1.
Variant type: single nucleotide variant.
Coding change: c.1206A>G on transcript NM_002225.5 (MANE Select); coding-DNA position 1206, A replaced by G.
Protein change: p.Ile402Met; replaces isoleucine 402 with methionine.
Molecular consequence: missense variant. On other transcripts: intron variant (3).
Genome position (GRCh38, 1-based): chr15:40,418,197, A>G. VCF-style: chr15-40418197-A-G. GRCh37 (hg19) VCF-style: chr15-40710396-A-G.
Other names: c.1116A>G, p.Ile372Met (NM_001159508.3); c.1158A>G, p.Ile386Met (NM_001354597.3); c.1293A>G, p.Ile431Met (NM_001354599.3); c.1225+1835A>G (NM_001354600.3); c.1138+1835A>G (NM_001354598.3, NM_001354601.3); short protein forms I431M, I402M, I386M, I372M.
Identifiers: ClinVar variation 2173093 (VCV002173093.1), dbSNP rs1891921859, ClinGen allele CA391724527.

ClinVar aggregate classification (germline): Uncertain significance (1 of 4 stars; one submission).

Conditions:
Isovaleryl-CoA dehydrogenase deficiency (IVA). Also called: IVD DEFICIENCY; Classic Isovaleric Acidemia; ISOVALERIC ACID CoA DEHYDROGENASE DEFICIENCY; Isovaleric acidemia. Identifiers: Orphanet 33, MedGen C0268575, MONDO:0009475, OMIM 243500.

Allele frequency attached by ClinVar (database versions not stated): TOPMed below 0.00001.

Submission:

Labcorp Genetics (formerly Invitae), Labcorp
Classification: Uncertain significance for Isovaleryl-CoA dehydrogenase deficiency. Last evaluated: 2022-01-11. Review status: criteria provided, single submitter. Criteria: Invitae Variant Classification Sherloc (09022015). Collection method: clinical testing. Allele origin: germline.
Comment: This sequence change replaces isoleucine, which is neutral and non-polar, with methionine, which is neutral and non-polar, at codon 405 of the IVD protein (p.Ile405Met). This variant is not present in population databases (gnomAD no frequency). This variant has not been reported in the literature in individuals affected with IVD-related conditions. Algorithms developed to predict the effect of missense changes on protein structure and function are either unavailable or do not agree on the potential impact of this missense change (SIFT: "Deleterious"; PolyPhen-2: "Probably Damaging"; Align-GVGD: "Class C0"). This variant disrupts the p.Ile405 amino acid residue in IVD. Other variant(s) that disrupt this residue have been determined to be pathogenic (PMID: 27904153; Invitae). This suggests that this residue is clinically significant, and that variants that disrupt this residue are likely to be disease-causing. In summary, the available evidence is currently insufficient to determine the role of this variant in disease. Therefore, it has been classified as a Variant of Uncertain Significance.

Literature cited by the submitters: PubMed 27904153.